The following is an entry in ClinVar:

ClinVar aggregate classification (germline): Uncertain significance (1 of 4 stars; one submission).

Allele frequency attached by ClinVar (database versions not stated): gnomAD exomes below 0.00001 and 0.00001; TOPMed below 0.00001; ExAC 0.00001.
gnomAD v4.1: 3 of 1,613,778 alleles (0.00019%); highest among the groups gnomAD compares: Non-Finnish European, 0.00025%; no homozygotes.

Submission:

Labcorp Genetics (formerly Invitae), Labcorp
Classification: Uncertain significance. Last evaluated: 2021-11-08. Review status: criteria provided, single submitter. Criteria: Invitae Variant Classification Sherloc (09022015). Collection method: clinical testing. Allele origin: germline.
Comment: In summary, the available evidence is currently insufficient to determine the role of this variant in disease. Therefore, it has been classified as a Variant of Uncertain Significance. This sequence change replaces serine, which is neutral and polar, with cysteine, which is neutral and slightly polar, at codon 1958 of the SORL1 protein (p.Ser1958Cys). This variant is present in population databases (rs768270783, gnomAD 0.0009%). This missense change has been observed in individual(s) with early-onset Alzheimer disease (PMID: 27026413). Algorithms developed to predict the effect of missense changes on protein structure and function are either unavailable or do not agree on the potential impact of this missense change (SIFT: "Deleterious"; PolyPhen-2: "Possibly Damaging"; Align-GVGD: "Class C0").

Literature cited by the submitters: PubMed 27026413.

NM_003105.6(SORL1):c.5873C>G (p.Ser1958Cys)

Gene: SORL1 (sortilin related receptor 1; plus strand). Cytogenetic location: 11q24.1.
Variant type: single nucleotide variant.
Coding change: c.5873C>G on transcript NM_003105.6 (MANE Select); coding-DNA position 5873, C replaced by G.
Protein change: p.Ser1958Cys; replaces serine 1958 with cysteine.
Molecular consequence: missense variant.
Genome position (GRCh38, 1-based): chr11:121,619,901, C>G. VCF-style: chr11-121619901-C-G. GRCh37 (hg19) VCF-style: chr11-121490610-C-G.
Other names: short protein forms S1958C.
Identifiers: ClinVar variation 1492760 (VCV001492760.6), dbSNP rs768270783, ClinGen allele CA6330100.